The following is an entry in ClinVar:

ClinVar aggregate classification (germline): Pathogenic. Review status: reviewed by expert panel (3 of 4 stars). 2 submissions from 2 submitters: Pathogenic (1). 1 of the submissions does not count toward it. Last evaluated 2017-12-15.

Conditions:
Breast-ovarian cancer, familial, susceptibility to, 1 (BROVCA1). Also called: BRCA1 Hereditary Breast and Ovarian Cancer; OVARIAN CANCER, SUSCEPTIBILITY TO. Identifiers: Orphanet 145, MedGen C2676676, MONDO:0011450, OMIM 604370. Disease mechanism: loss of function.

Submissions (2):

Evidence-based Network for the Interpretation of Germline Mutant Alleles (ENIGMA)
Classification: Pathogenic for Breast-ovarian cancer, familial, susceptibility to, 1. Last evaluated: 2017-12-15. Review status: reviewed by expert panel. Criteria: ENIGMA BRCA1/2 Classification Criteria (2017-06-29). Collection method: curation. Allele origin: germline. Study: ENIGMA.
Comment: Variant allele predicted to encode a truncated non-functional protein.

Department of Medical Genetics, Oslo University Hospital
Classification: Pathogenic for Breast-ovarian cancer, familial, susceptibility to, 1. Last evaluated: 2015-07-01. Review status: criteria provided, single submitter. Criteria: ACMG Guidelines, 2015. Collection method: clinical testing. Allele origin: germline. Affected: yes. Observed: 2 variant alleles. Not counted in ClinVar's aggregate classification.

NM_007294.4(BRCA1):c.4972del (p.Thr1658fs)

Gene: BRCA1 (BRCA1 DNA repair associated; minus strand). Cytogenetic location: 17q21.31.
Variant type: Deletion.
Coding change: c.4972del on transcript NM_007294.4 (MANE Select); coding-DNA position 4972, one base deleted (A; older notation c.4972delA).
Protein change: p.Thr1658fs; shifts the reading frame from threonine 1658.
Molecular consequence: frameshift variant. On other transcripts: non-coding transcript variant (1).
Genome position (GRCh38, 1-based): chr17:43,070,942, T deleted on the plus strand (A on the coding strand, the reverse complement: BRCA1 is on the minus strand). VCF-style (leftmost placement, unchanged base first): chr17-43070941-GT-G. GRCh37 (hg19) VCF-style: chr17-41222958-GT-G.
Other names: c.4759delA, p.Thr1587Profs (NM_001407571.1, NM_001407894.1, NM_001407895.1 and 12 more transcripts); c.5038delA, p.Thr1680Profs (NM_001407581.1, NM_001407582.1); c.5035delA, p.Thr1679Profs (NM_001407583.1, NM_001407585.1, NM_001407587.1); c.5032delA, p.Thr1678Profs (NM_001407590.1, NM_001407591.1); c.4972delA, p.Thr1658Profs (NM_001407593.1, NM_001407594.1, NM_001407596.1 and 8 more transcripts); c.4969delA, p.Thr1657Profs (NM_001407610.1, NM_001407611.1, NM_001407612.1 and 17 more transcripts); c.4966delA, p.Thr1656Profs (NM_001407627.1, NM_001407628.1, NM_001407629.1 and 14 more transcripts); c.4963delA, p.Thr1655Profs (NM_001407644.1, NM_001407645.1); and 73 more; short protein forms T554fs, T1658fs, T1679fs, T1611fs.
Identifiers: ClinVar variation 417822 (VCV000417822.3), dbSNP rs1060505044, ClinGen allele CA16616883.